The following is an entry in ClinVar:

ClinVar aggregate classification (germline): Uncertain significance. Review status: criteria provided, multiple submitters, no conflicts (2 of 4 stars). 2 submissions from 2 submitters: Uncertain significance (2). Last evaluated 2024-10-24.

Conditions:
Cardiovascular phenotype. Identifiers: MedGen CN230736.
Cholestanol storage disease (CTX). Also called: Cerebrotendinous Xanthomatosis; CTX: Cerebrotendinous xanthomatosis; CEREBRAL CHOLESTERINOSIS. Identifiers: Orphanet 909, MedGen C0238052, MONDO:0008948, OMIM 213700.

Submissions (2):

Labcorp Genetics (formerly Invitae), Labcorp
Classification: Uncertain significance for Cholestanol storage disease. Last evaluated: 2024-10-24. Review status: criteria provided, single submitter. Criteria: Invitae Variant Classification Sherloc (09022015). Collection method: clinical testing. Allele origin: germline.
Comment: This sequence change replaces tyrosine, which is neutral and polar, with serine, which is neutral and polar, at codon 429 of the CYP27A1 protein (p.Tyr429Ser). This variant is not present in population databases (gnomAD no frequency). This variant has not been reported in the literature in individuals affected with CYP27A1-related conditions. ClinVar contains an entry for this variant (Variation ID: 1499995). Invitae Evidence Modeling of protein sequence and biophysical properties (such as structural, functional, and spatial information, amino acid conservation, physicochemical variation, residue mobility, and thermodynamic stability) has been performed for this missense variant. However, the output from this modeling did not meet the statistical confidence thresholds required to predict the impact of this variant on CYP27A1 protein function. In summary, the available evidence is currently insufficient to determine the role of this variant in disease. Therefore, it has been classified as a Variant of Uncertain Significance.

Ambry Genetics
Classification: Uncertain significance for Cardiovascular phenotype. Last evaluated: 2024-10-14. Review status: criteria provided, single submitter. Criteria: Ambry Variant Classification Scheme 2023. Collection method: clinical testing. Allele origin: germline.
Comment: The p.Y429S variant (also known as c.1286A>C), located in coding exon 8 of the CYP27A1 gene, results from an A to C substitution at nucleotide position 1286. The tyrosine at codon 429 is replaced by serine, an amino acid with dissimilar properties. This amino acid position is conserved. In addition, this alteration is predicted to be deleterious by in silico analysis. Based on the available evidence, the clinical significance of this variant remains unclear.

NM_000784.4(CYP27A1):c.1286A>C (p.Tyr429Ser)

Gene: CYP27A1 (cytochrome P450 family 27 subfamily A member 1; plus strand). Cytogenetic location: 2q35.
Variant type: single nucleotide variant.
Coding change: c.1286A>C on transcript NM_000784.4 (MANE Select); coding-DNA position 1286, A replaced by C.
Protein change: p.Tyr429Ser; replaces tyrosine 429 with serine.
Molecular consequence: missense variant.
Genome position (GRCh38, 1-based): chr2:218,814,567, A>C. VCF-style: chr2-218814567-A-C. GRCh37 (hg19) VCF-style: chr2-219679290-A-C.
Other names: c.1286A>C (NM_000784.3); short protein forms Y429S.
Identifiers: ClinVar variation 1499995 (VCV001499995.5), dbSNP rs774127681, ClinGen allele CA350593915.